The following is an entry in ClinVar:

NM_006180.6(NTRK2):c.1263C>T (p.Asp421=)

Gene: NTRK2 (neurotrophic receptor tyrosine kinase 2; plus strand). Cytogenetic location: 9q21.33.
Variant type: single nucleotide variant.
Coding change: c.1263C>T on transcript NM_006180.6 (MANE Select); coding-DNA position 1263, C replaced by T.
Protein change: p.Asp421=; no amino-acid change (aspartic acid 421 retained).
Molecular consequence: synonymous variant.
Genome position (GRCh38, 1-based): chr9:84,745,040, C>T. VCF-style: chr9-84745040-C-T. GRCh37 (hg19) VCF-style: chr9-87359955-C-T.
Other names: c.1263C>T (NM_006180.4); c.1263C>T, p.Asp421= (NM_001007097.3, NM_001018064.3, NM_001018065.2 and 15 more transcripts); c.1224C>T, p.Asp408= (NM_001291937.2, NM_001369546.1); c.1227C>T, p.Asp409= (NM_001369534.1); c.795C>T, p.Asp265= (NM_001369535.1, NM_001369536.1, NM_001369550.1 and 2 more transcripts).
Identifiers: ClinVar variation 1584993 (VCV001584993.11), dbSNP rs146402774, ClinGen allele CA5105688.

ClinVar aggregate classification (germline): Likely benign. Review status: criteria provided, multiple submitters, no conflicts (2 of 4 stars). 3 submissions from 3 submitters: Likely benign (2). 1 of the submissions does not count toward it. Last evaluated 2025-06-19.

Conditions:
NTRK2-related disorder. Also called: NTRK2-related condition.

Allele frequency attached by ClinVar (database versions not stated): gnomAD exomes 0.00003; ExAC 0.00005; gnomAD 0.00007 and 0.00008; ESP Exome Variant Server 0.00015; TOPMed 0.00019.
gnomAD v4.1: 49 of 1,613,228 alleles (0.003%); highest among the groups gnomAD compares: Admixed American, 0.025%; no homozygotes.

Submissions (3):

Labcorp Genetics (formerly Invitae), Labcorp
Classification: Likely benign. Last evaluated: 2025-06-19. Review status: criteria provided, single submitter. Criteria: Invitae Variant Classification Sherloc (09022015). Collection method: clinical testing. Allele origin: germline.

Blueprint Genetics
Classification: Likely benign. Last evaluated: 2023-08-16. Review status: criteria provided, single submitter. Criteria: ACMG Guidelines, 2015. Collection method: clinical testing. Allele origin: germline.

PreventionGenetics, part of Exact Sciences
Classification: Likely benign for NTRK2-related condition. Last evaluated: 2019-12-17. Review status: no assertion criteria provided. Collection method: clinical testing. Allele origin: germline. Not counted in ClinVar's aggregate classification.
Comment: This variant is classified as likely benign based on ACMG/AMP sequence variant interpretation guidelines (Richards et al. 2015 PMID: 25741868, with internal and published modifications).